The following is an entry in ClinVar:

NM_001009944.3(PKD1):c.3268A>G (p.Asn1090Asp)

Gene: PKD1 (polycystin 1, transient receptor potential channel interacting; minus strand). Cytogenetic location: 16p13.3.
Variant type: single nucleotide variant.
Coding change: c.3268A>G on transcript NM_001009944.3 (MANE Select); coding-DNA position 3268, A replaced by G.
Protein change: p.Asn1090Asp; replaces asparagine 1090 with aspartic acid.
Molecular consequence: missense variant.
Genome position (GRCh38, 1-based): chr16:2,112,367, T>C on the plus strand (A>G on the coding strand, the complement: PKD1 is on the minus strand). VCF-style: chr16-2112367-T-C. GRCh37 (hg19) VCF-style: chr16-2162368-T-C.
Other names: c.3268A>G, p.Asn1090Asp (NM_000296.4); short protein forms N1090D.
Identifiers: ClinVar variation 4994186 (VCV004994186.1).

ClinVar aggregate classification (germline): Uncertain significance (1 of 4 stars; one submission).

Conditions:
PKD1-related disorder. Also called: PKD1-related condition.

gnomAD v4.1: 2 of 1,587,170 alleles (0.00013%); highest among the groups gnomAD compares: South Asian, 0.0011%; no homozygotes.

Submission:

PreventionGenetics, part of Exact Sciences
Classification: Uncertain significance for PKD1-related condition. Last evaluated: 2026-09-15. Review status: criteria provided, single submitter. Criteria: ACMG Guidelines, 2015. Collection method: clinical testing. Allele origin: germline.
Comment: The PKD1 c.3268A>G variant is predicted to result in the amino acid substitution p.Asn1090Asp. To our knowledge, this variant has not been reported in the literature or in a large population database (gnomAD), indicating this variant is rare. At this time, the clinical significance of this variant is uncertain due to the absence of conclusive functional and genetic evidence.